The following is an entry in ClinVar:

ClinVar aggregate classification (germline): Benign/Likely benign. Review status: criteria provided, multiple submitters, no conflicts (2 of 4 stars). 10 submissions from 10 submitters: Benign (9); Likely benign (1). Last evaluated 2026-02-04.

Conditions:
Granulomatous disease, chronic, autosomal recessive, cytochrome b-positive, type 3. Also called: GRANULOMATOUS DISEASE, CHRONIC, DUE TO NCF4 DEFICIENCY; Granulomatous disease, chronic, autosomal recessive, cytochrome b-positive, type III; GRANULOMATOUS DISEASE, CHRONIC, AUTOSOMAL RECESSIVE, 3; CGD, AUTOSOMAL RECESSIVE CYTOCHROME b-POSITIVE, TYPE III. Identifiers: Orphanet 379, MedGen C3151409, MONDO:0013507, OMIM 613960.

Allele frequency attached by ClinVar (database versions not stated): gnomAD exomes 0.82731 and 0.83114; 1000 Genomes Project 0.82808; ExAC 0.83373; 1000 Genomes Project 30x 0.83479; gnomAD 0.86181 and 0.86715; TOPMed 0.86613; ESP Exome Variant Server 0.87006.
gnomAD v4.1: 1,341,153 of 1,614,022 alleles (83%); highest among the groups gnomAD compares: African/African-American, 95%; 558,514 homozygotes.

Submissions (10):

Labcorp Genetics (formerly Invitae), Labcorp
Classification: Benign for Granulomatous disease, chronic, autosomal recessive, cytochrome b-positive, type 3. Last evaluated: 2026-02-04. Review status: criteria provided, single submitter. Criteria: Invitae Variant Classification Sherloc (09022015). Collection method: clinical testing. Allele origin: germline.

Women's Health and Genetics/Laboratory Corporation of America, LabCorp
Classification: Benign. Last evaluated: 2026-01-21. Review status: criteria provided, single submitter. Criteria: LabCorp Variant Classification Summary - May 2015. Collection method: clinical testing. Allele origin: germline.

Blueprint Genetics
Classification: Likely benign. Last evaluated: 2024-11-28. Review status: criteria provided, single submitter. Criteria: ACMG Guidelines, 2015. Collection method: clinical testing. Allele origin: germline.

Unidad de Genómica Garrahan, Hospital de Pediatría Garrahan
Classification: Benign. Last evaluated: 2024-01-24. Review status: criteria provided, single submitter. Criteria: ACMG Guidelines, 2015. Collection method: clinical testing. Allele origin: germline. Affected: no. Observed: 91 variant alleles.
Comment: This variant is classified as Benign based on local population frequency. This variant was detected in 96% of patients studied by a panel of primary immunodeficiencies. Number of patients: 91. Only high quality variants are reported.

Mendelics
Classification: Benign for Granulomatous disease, chronic, autosomal recessive, cytochrome b-positive, type 3. Last evaluated: 2019-05-28. Review status: criteria provided, single submitter. Criteria: Mendelics Assertion Criteria 2017. Collection method: clinical testing. Allele origin: unknown.

GeneDx
Classification: Benign. Last evaluated: 2018-09-05. Review status: criteria provided, single submitter. Criteria: GeneDx Variant Classification Process June 2021. Collection method: clinical testing. Allele origin: germline. Affected: yes.

Mayo Clinic Laboratories, Mayo Clinic
Classification: Benign. Last evaluated: 2018-06-06. Review status: criteria provided, single submitter. Criteria: ACMG Guidelines, 2015. Collection method: clinical testing. Allele origin: germline. Observed: 444 variant alleles.

Laboratory for Molecular Medicine, Mass General Brigham Personalized Medicine
Classification: Benign. Last evaluated: 2016-03-28. Review status: criteria provided, single submitter. Criteria: LMM Criteria. Collection method: clinical testing. Allele origin: germline.
Comment: Variant identified in a genome or exome case(s) and assessed due to predicted null impact of the variant or pathogenic assertions in the literature or databases. Disclaimer: This variant has not undergone full assessment. The following are preliminary notes: Frequency

Breakthrough Genomics
Classification: Benign. Review status: criteria provided, single submitter. Criteria: ACMG Guidelines, 2015. Collection method: not provided. Allele origin: germline. Inheritance: Autosomal recessive inheritance. Affected: yes.

PreventionGenetics, part of Exact Sciences
Classification: Benign. Review status: criteria provided, single submitter. Criteria: ACMG Guidelines, 2015. Collection method: clinical testing. Allele origin: germline.

NM_000631.5(NCF4):c.758+57T>C

Gene: NCF4 (neutrophil cytosolic factor 4; plus strand). Cytogenetic location: 22q12.3.
Variant type: single nucleotide variant.
Coding change: c.758+57T>C on transcript NM_000631.5 (MANE Select); 57 bases into the intron after coding-DNA position 758, T replaced by C.
Molecular consequence: intron variant. On other transcripts: missense variant (1).
Genome position (GRCh38, 1-based): chr22:36,875,840, T>C. VCF-style: chr22-36875840-T-C. GRCh37 (hg19) VCF-style: chr22-37271882-T-C.
Other names: c.815T>C, p.Leu272Pro (NM_013416.4); short protein forms L272P.
Identifiers: ClinVar variation 260308 (VCV000260308.23), dbSNP rs2075939, ClinGen allele CA10213168.